The following is an entry in ClinVar:

NM_020778.5(ALPK3):c.3885G>A (p.Trp1295Ter)

Gene: ALPK3 (alpha kinase 3; plus strand). Cytogenetic location: 15q25.3.
Variant type: single nucleotide variant.
Coding change: c.3885G>A on transcript NM_020778.5 (MANE Select); coding-DNA position 3885, G replaced by A.
Protein change: p.Trp1295Ter; replaces tryptophan 1295 with a stop codon.
Molecular consequence: nonsense.
Genome position (GRCh38, 1-based): chr15:84,859,310, G>A. VCF-style: chr15-84859310-G-A. GRCh37 (hg19) VCF-style: chr15-85402541-G-A.
Other names: c.4491G>A (NM_020778.4); short protein forms W1295*.
Identifiers: ClinVar variation 2817838 (VCV002817838.4), dbSNP rs2505723959, ClinGen allele CA393361420.

ClinVar aggregate classification (germline): Pathogenic. Review status: criteria provided, multiple submitters, no conflicts (2 of 4 stars). 2 submissions from 2 submitters: Pathogenic (2). Last evaluated 2024-10-16.

Conditions:
Cardiovascular phenotype. Identifiers: MedGen CN230736.

Allele frequency attached by ClinVar (database versions not stated): gnomAD exomes below 0.00001.
gnomAD v4.1: 1 of 1,614,174 alleles (0.000062%); highest among the groups gnomAD compares: Non-Finnish European, 0.000085%; no homozygotes.

Submissions (2):

Labcorp Genetics (formerly Invitae), Labcorp
Classification: Pathogenic. Last evaluated: 2024-10-16. Review status: criteria provided, single submitter. Criteria: Invitae Variant Classification Sherloc (09022015). Collection method: clinical testing. Allele origin: germline.
Comment: This sequence change creates a premature translational stop signal (p.Trp1497*) in the ALPK3 gene. It is expected to result in an absent or disrupted protein product. Loss-of-function variants in ALPK3 are known to be pathogenic (PMID: 21441111, 26846950, 27106955, 34263907). This variant is not present in population databases (gnomAD no frequency). This variant has not been reported in the literature in individuals affected with ALPK3-related conditions. For these reasons, this variant has been classified as Pathogenic.

Ambry Genetics
Classification: Pathogenic for Cardiovascular phenotype. Last evaluated: 2024-05-08. Review status: criteria provided, single submitter. Criteria: Ambry Variant Classification Scheme 2023. Collection method: clinical testing. Allele origin: germline.
Comment: The p.W1497* pathogenic mutation (also known as c.4491G>A), located in coding exon 7 of the ALPK3 gene, results from a G to A substitution at nucleotide position 4491. This changes the amino acid from a tryptophan to a stop codon within coding exon 7. This variant is considered to be rare based on population cohorts in the Genome Aggregation Database (gnomAD). This alteration is expected to result in loss of function by premature protein truncation or nonsense-mediated mRNA decay. As such, this alteration is interpreted as a disease-causing mutation.

Literature cited by the submitters: PubMed 21441111 (cited by Labcorp Genetics (formerly Invitae), Labcorp); PubMed 26846950 (cited by Labcorp Genetics (formerly Invitae), Labcorp); PubMed 27106955 (cited by Labcorp Genetics (formerly Invitae), Labcorp); PubMed 34263907 (cited by Labcorp Genetics (formerly Invitae), Labcorp).